The following is an entry in ClinVar:

ClinVar aggregate classification (germline): Uncertain significance (1 of 4 stars; one submission).

Submission:

Ambry Genetics
Classification: Uncertain significance. Last evaluated: 2026-09-14. Review status: criteria provided, single submitter. Criteria: Ambry Variant Classification Scheme 2023. Collection method: clinical testing. Allele origin: germline.
Comment: The p.I126M variant (also known as c.378C>G), located in coding exon 3 of the GEN1 gene, results from a C to G substitution at nucleotide position 378. The isoleucine at codon 126 is replaced by methionine, an amino acid with highly similar properties. This amino acid position is conserved. In addition, this alteration is predicted to be tolerated by in silico analysis. Based on the available evidence, the clinical significance of this variant remains unclear.

NM_001130009.3(GEN1):c.378C>G (p.Ile126Met)

Gene: GEN1 (GEN1 structure-specific endonuclease; plus strand). Cytogenetic location: 2p24.2.
Variant type: single nucleotide variant.
Coding change: c.378C>G on transcript NM_001130009.3 (MANE Select); coding-DNA position 378, C replaced by G.
Protein change: p.Ile126Met; replaces isoleucine 126 with methionine.
Molecular consequence: missense variant.
Genome position (GRCh38, 1-based): chr2:17,764,926, C>G. VCF-style: chr2-17764926-C-G. GRCh37 (hg19) VCF-style: chr2-17946193-C-G.
Other names: c.378C>G, p.Ile126Met (NM_182625.5); short protein forms I126M.
Identifiers: ClinVar variation 5022361 (VCV005022361.1).